The following continues an entry in ClinVar:

NM_000256.3(MYBPC3):c.913_914delTT

Gene: MYBPC3. ClinVar aggregate classification (germline): Pathogenic/Likely pathogenic. Pathogenic (15); Likely pathogenic (1).

Submissions 10 to 21 of 21:

Women's Health and Genetics/Laboratory Corporation of America, LabCorp
Classification: Pathogenic for Cardiomyopathy. Last evaluated: 2022-04-25. Review status: criteria provided, single submitter. Criteria: LabCorp Variant Classification Summary - May 2015. Collection method: clinical testing. Allele origin: germline.
Comment: Variant summary: MYBPC3 c.913_914delTT (p.Phe305ProfsX27) results in a premature termination codon, predicted to cause a truncation of the encoded protein or absence of the protein due to nonsense mediated decay, which are commonly known mechanisms for disease. Truncations downstream of this position have been classified as pathogenic by our laboratory. The variant was absent in 233482 control chromosomes (gnomAD). c.913_914delTT has been reported in the literature in multiple individuals affected with Cardiomyopathy (e.g. Calore_2015, Cecconi_2016, De Bortoli_2017). These data indicate that the variant is very likely to be associated with disease. Nine ClinVar submitters (evaluation after 2014) cite the variant as pathogenic. Based on the evidence outlined above, the variant was classified as pathogenic.

Fulgent Genetics
Classification: Pathogenic for Hypertrophic cardiomyopathy 4; Left ventricular noncompaction 10. Last evaluated: 2021-09-27. Review status: criteria provided, single submitter. Criteria: ACMG Guidelines, 2015. Collection method: clinical testing. Allele origin: unknown.

CHEO Genetics Diagnostic Laboratory, Children's Hospital of Eastern Ontario
Classification: Pathogenic for Cardiomyopathy. Last evaluated: 2021-07-30. Review status: criteria provided, single submitter. Criteria: ACMG Guidelines, 2015. Collection method: clinical testing. Allele origin: germline.

Centre for Mendelian Genomics, University Medical Centre Ljubljana
Classification: Pathogenic for Hypertrophic cardiomyopathy 4. Last evaluated: 2019-02-21. Review status: criteria provided, single submitter. Criteria: ACMG Guidelines, 2015. Collection method: clinical testing. Allele origin: unknown. Affected: yes.
Comment: This variant was classified as: Pathogenic. The following ACMG criteria were applied in classifying this variant: PVS1,PM2,PP5.

Center for Human Genetics, University of Leuven
Classification: Pathogenic for Hypertrophic cardiomyopathy. Last evaluated: 2018-10-31. Review status: criteria provided, single submitter. Criteria: ACMG Guidelines, 2015. Collection method: clinical testing. Allele origin: germline. Affected: yes.

Agnes Ginges Centre for Molecular Cardiology, Centenary Institute
Classification: Pathogenic for Hypertrophic cardiomyopathy 4. Last evaluated: 2017-01-20. Review status: criteria provided, single submitter. Criteria: ACMG Guidelines, 2015. Collection method: research. Allele origin: germline. Affected: yes.
Comment: The MYBPC3 Phe305Profs*27 has been previously reported in mulitple HCM patients (Calore C, et al., 2015; Marsiglia JD, et al., 2013; Teirlinck CH, et al., 2012; Millat G, et al., 2010, Olivotto I, et al., 2008), and is an established Italian founder (Calore C, et al., 2015). This variant has not identified in the 1000 genomes project, or in the Exome Aggregation Consortium dataset. Loss of function mutations in MYBPC3 are an established cause of HCM. Therefore, we classify MYBPC3 Phe305Profs*27 as "pathogenic".

Laboratory of Genetics and Molecular Cardiology, University of São Paulo
Classification: Likely pathogenic for Hypertrophic cardiomyopathy 4. Review status: criteria provided, single submitter. Criteria: LGCM Criteria August 2015. Collection method: clinical testing. Allele origin: germline. Inheritance: Autosomal dominant inheritance. Affected: yes. Observed: 6 variant alleles. Study: Sarcomeric Human Cardiomyopathy Registry (ShaRe).

Rampazzo Lab,  Human Molecular Genetics Unit, University of Padua
Classification: Pathogenic for Hypertrophic cardiomyopathy. Last evaluated: 2017-04-18. Review status: no assertion criteria provided. Collection method: research. Allele origin: inherited. Inheritance: Autosomal dominant inheritance. Affected: yes. Observed: 65 variant alleles. Not counted in ClinVar's aggregate classification.
Comment: It is not found in 250 ethnically matched healthy controls (500 chromosomes), in dbSNP , in the 1000 Genomes Project database, in the Exome Variant Server or in the Exome Aggregation Consortium. We identified this mutation in 19 (19.5%) italian HCM patients (14 men and 5 women). Among 79 relatives belonging to 14 families, 45 resulted to be mutation carriers and 29 of them had phenotypical expression of HCM. A shared haplotype was found in all probands carrying the mutation, indicating that a common founder was likely in these families.

OMIM
Classification: Pathogenic for CARDIOMYOPATHY, FAMILIAL HYPERTROPHIC, 4. Last evaluated: 2015-05-01. Review status: no assertion criteria provided. Collection method: literature only. Allele origin: germline. Not counted in ClinVar's aggregate classification.

Clinical Genetics DNA and cytogenetics Diagnostics Lab, Erasmus MC, Erasmus Medical Center
Classification: Pathogenic. Review status: no assertion criteria provided. Collection method: clinical testing. Allele origin: germline. Affected: yes. Study: VKGL Data-share Consensus. Not counted in ClinVar's aggregate classification.

Joint Genome Diagnostic Labs from Nijmegen and Maastricht, Radboudumc and MUMC+
Classification: Pathogenic. Review status: no assertion criteria provided. Collection method: clinical testing. Allele origin: germline. Affected: yes. Study: VKGL Data-share Consensus. Not counted in ClinVar's aggregate classification.

Zaffran Lab, Genetics of Cardiac Diseases Laboratory, Marseille Medical Genetics
Classification: Pathogenic for hypertrophic cardiomyopathy. Review status: no assertion criteria provided. Collection method: research. Allele origin: unknown. Affected: yes. Not counted in ClinVar's aggregate classification.

Literature cited by the submitters: PubMed 18533079 (cited by 5 submitters); PubMed 20800588 (cited by 4 submitters); PubMed 24093860 (cited by 3 submitters); PubMed 25740977 (cited by 7 submitters); PubMed 29300372 (cited by OLLIN Analises Genomicas, OLLIN); PubMed 19574547 (cited by Labcorp Genetics (formerly Invitae), Labcorp); PubMed 27532257 (cited by Labcorp Genetics (formerly Invitae), Labcorp and Ambry Genetics); PubMed 28794111 (cited by Labcorp Genetics (formerly Invitae), Labcorp and Ambry Genetics); PubMed 23140321 (cited by Ambry Genetics and Agnes Ginges Centre for Molecular Cardiology, Centenary Institute); PubMed 28699631 (cited by Ambry Genetics and Women's Health and Genetics/Laboratory Corporation of America, LabCorp); PubMed 32841044 (cited by Victorian Clinical Genetics Services, Murdoch Childrens Research Institute); PubMed 27600940 (cited by Women's Health and Genetics/Laboratory Corporation of America, LabCorp and Agnes Ginges Centre for Molecular Cardiology, Centenary Institute); DOI 10.1136/jmedgenet-2014-102923 (cited by Rampazzo Lab,  Human Molecular Genetics Unit, University of Padua).